The following is an entry in ClinVar:

ClinVar aggregate classification (germline): Benign/Likely benign. Review status: criteria provided, multiple submitters, no conflicts (2 of 4 stars). 4 submissions from 4 submitters: Benign (2); Likely benign (1). 1 of the submissions does not count toward it. Last evaluated 2026-01-21.

Conditions:
Hermansky-Pudlak syndrome 4 (HPS4). Identifiers: Orphanet 231500, Orphanet 79430, MedGen C3484357, MONDO:0013556, OMIM 614073.
HPS4-related disorder. Also called: HPS4-related condition.

Allele frequency attached by ClinVar (database versions not stated): TOPMed 0.00056; 1000 Genomes Project 0.00339; 1000 Genomes Project 30x 0.00359.
gnomAD v4.1: 690 of 1,614,144 alleles (0.043%); highest among the groups gnomAD compares: East Asian, 1.5%; 6 homozygotes.

Submissions (4):

Labcorp Genetics (formerly Invitae), Labcorp
Classification: Benign. Last evaluated: 2026-01-21. Review status: criteria provided, single submitter. Criteria: Invitae Variant Classification Sherloc (09022015). Collection method: clinical testing. Allele origin: germline.

Blueprint Genetics
Classification: Likely benign. Last evaluated: 2024-09-17. Review status: criteria provided, single submitter. Criteria: ACMG Guidelines, 2015. Collection method: clinical testing. Allele origin: germline.

Illumina Laboratory Services, Illumina
Classification: Benign for Hermansky-Pudlak syndrome 4. Last evaluated: 2018-01-13. Review status: criteria provided, single submitter. Criteria: ICSL Variant Classification Criteria 13 December 2019. Collection method: clinical testing. Allele origin: germline.
Comment: This variant was observed in the ICSL laboratory as part of a predisposition screen in an ostensibly healthy population. It had not been previously curated by ICSL or reported in the Human Gene Mutation Database (HGMD: prior to June 1st, 2018), and was therefore a candidate for classification through an automated scoring system. Utilizing variant allele frequency, disease prevalence and penetrance estimates, and inheritance mode, an automated score was calculated to assess if this variant is too frequent to cause the disease. Based on the score and internal cut-off values, a variant classified as benign is not then subjected to further curation. The score for this variant resulted in a classification of benign for this disease.

PreventionGenetics, part of Exact Sciences
Classification: Likely benign for HPS4-related condition. Last evaluated: 2024-06-19. Review status: no assertion criteria provided. Collection method: clinical testing. Allele origin: germline. Not counted in ClinVar's aggregate classification.
Comment: This variant is classified as likely benign based on ACMG/AMP sequence variant interpretation guidelines (Richards et al. 2015 PMID: 25741868, with internal and published modifications).

NM_022081.6(HPS4):c.741T>A (p.Pro247=)

Gene: HPS4 (HPS4 biogenesis of lysosomal organelles complex 3 subunit 2; minus strand). Cytogenetic location: 22q12.1.
Variant type: single nucleotide variant.
Coding change: c.741T>A on transcript NM_022081.6 (MANE Select); coding-DNA position 741, T replaced by A.
Protein change: p.Pro247=; no amino-acid change (proline 247 retained).
Molecular consequence: synonymous variant. On other transcripts: non-coding transcript variant (8).
Genome position (GRCh38, 1-based): chr22:26,465,517, A>T on the plus strand (T>A on the coding strand, the complement: HPS4 is on the minus strand). VCF-style: chr22-26465517-A-T. GRCh37 (hg19) VCF-style: chr22-26861483-A-T.
Other names: c.741T>A, p.Pro247= (NM_001349896.1, NM_001349898.2, NM_001349899.2 and 4 more transcripts); c.795T>A, p.Pro265= (NM_001349900.2, NM_001349901.1); c.726T>A, p.Pro242= (NM_152841.2).
Identifiers: ClinVar variation 746438 (VCV000746438.15), dbSNP rs35126034, ClinGen allele CA10163507.